The following is an entry in ClinVar:

NM_000283.4(PDE6B):c.1485dup (p.Pro496fs)

Gene: PDE6B (phosphodiesterase 6B; plus strand). Cytogenetic location: 4p16.3.
Variant type: Duplication.
Coding change: c.1485dup on transcript NM_000283.4 (MANE Select); coding-DNA position 1485, one base duplicated (G; older notation c.1485dupG).
Protein change: p.Pro496fs; shifts the reading frame from proline 496.
Molecular consequence: frameshift variant.
Genome position (GRCh38, 1-based): chr4:660,484, G duplicated; the last of 3 consecutive G bases (chr4:660,482-660,484); duplicating any one gives the same sequence. VCF-style (leftmost placement, unchanged base first): chr4-660481-A-AG. GRCh37 (hg19) VCF-style: chr4-654270-A-AG.
Other names: c.1485dupG (NM_000283.3); c.1485dup, p.Pro496fs (NM_001145291.2); c.648dup, p.Pro217fs (NM_001145292.2, NM_001350154.3, NM_001379246.1 and 1 more transcripts); c.330dup, p.Pro111fs (NM_001350155.3); short protein forms P111fs, P217fs, P496fs.
Identifiers: ClinVar variation 438189 (VCV000438189.11), dbSNP rs1360937549, ClinGen allele CA645509144.

ClinVar aggregate classification (germline): Pathogenic. Review status: criteria provided, single submitter (1 of 4 stars). 2 submissions from 2 submitters: Pathogenic (1). 1 of the submissions does not count toward it. Last evaluated 2023-11-07.

Conditions:
Retinitis pigmentosa (RP). Identifiers: Orphanet 791, MedGen C0035334, MeSH D012174, MONDO:0019200, OMIM 268000. Inheritance: Autosomal dominant, autosomal recessive and X linked inheritance.

Submissions (2):

Labcorp Genetics (formerly Invitae), Labcorp
Classification: Pathogenic. Last evaluated: 2023-11-07. Review status: criteria provided, single submitter. Criteria: Invitae Variant Classification Sherloc (09022015). Collection method: clinical testing. Allele origin: germline.
Comment: This sequence change creates a premature translational stop signal (p.Pro496Alafs*5) in the PDE6B gene. It is expected to result in an absent or disrupted protein product. Loss-of-function variants in PDE6B are known to be pathogenic (PMID: 8394174, 8595886, 22334370). This variant is not present in population databases (gnomAD no frequency). This premature translational stop signal has been observed in individual(s) with retinitis pigmentosa (PMID: 28041643). ClinVar contains an entry for this variant (Variation ID: 438189). For these reasons, this variant has been classified as Pathogenic.

NIHR Bioresource Rare Diseases, University of Cambridge
Classification: Likely pathogenic for Retinitis pigmentosa. Last evaluated: 2015-01-01. Review status: no assertion criteria provided. Collection method: research. Allele origin: unknown. Affected: yes. Observed: 1 variant allele. Not counted in ClinVar's aggregate classification.

Literature cited by the submitters: PubMed 8394174 (cited by Labcorp Genetics (formerly Invitae), Labcorp); PubMed 8595886 (cited by Labcorp Genetics (formerly Invitae), Labcorp); PubMed 22334370 (cited by Labcorp Genetics (formerly Invitae), Labcorp); PubMed 28041643 (cited by Labcorp Genetics (formerly Invitae), Labcorp and NIHR Bioresource Rare Diseases, University of Cambridge).